The following is an entry in ClinVar:

NM_005188.4(CBL):c.76A>G (p.Ile26Val)

Genes: CBL (Cbl proto-oncogene; plus strand), LOC130006895 (ATAC-STARR-seq lymphoblastoid silent region 3975; plus strand). Cytogenetic location: 11q23.3.
Variant type: single nucleotide variant.
Coding change: c.76A>G on transcript NM_005188.4 (MANE Select); coding-DNA position 76, A replaced by G.
Protein change: p.Ile26Val; replaces isoleucine 26 with valine.
Molecular consequence: missense variant.
Genome position (GRCh38, 1-based): chr11:119,206,493, A>G. VCF-style: chr11-119206493-A-G. GRCh37 (hg19) VCF-style: chr11-119077203-A-G.
Other names: short protein forms I26V.
Identifiers: ClinVar variation 4219929 (VCV004219929.1).

ClinVar aggregate classification (germline): Uncertain significance (1 of 4 stars; one submission).

Conditions:
Cardiovascular phenotype. Identifiers: MedGen CN230736.

Submission:

Ambry Genetics
Classification: Uncertain significance for Cardiovascular phenotype. Last evaluated: 2025-09-07. Review status: criteria provided, single submitter. Criteria: Ambry Variant Classification Scheme 2023. Collection method: clinical testing. Allele origin: germline.
Comment: The p.I26V variant (also known as c.76A>G), located in coding exon 1 of the CBL gene, results from an A to G substitution at nucleotide position 76. The isoleucine at codon 26 is replaced by valine, an amino acid with highly similar properties. This amino acid position is conserved. In addition, this alteration is predicted to be tolerated by in silico analysis. Based on the available evidence, the clinical significance of this variant remains unclear.